The following is an entry in ClinVar:

ClinVar aggregate classification (germline): Uncertain significance (0 of 4 stars; one submission).

Conditions:
FAAH2-related disorder. Also called: FAAH2-related condition.

gnomAD v4.1: 1 of 1,186,579 alleles (0.000084%); no homozygotes.

Submission:

PreventionGenetics, part of Exact Sciences
Classification: Uncertain significance for FAAH2-related condition. Last evaluated: 2024-03-12. Review status: no assertion criteria provided. Collection method: clinical testing. Allele origin: germline.
Comment: The FAAH2 c.898G>T variant is predicted to result in the amino acid substitution p.Val300Leu. To our knowledge, this variant has not been reported in the literature or in a large population database, indicating this variant is rare. At this time, the clinical significance of this variant is uncertain due to the absence of conclusive functional and genetic evidence.

NM_174912.4(FAAH2):c.898G>T (p.Val300Leu)

Gene: FAAH2 (fatty acid amide hydrolase 2; plus strand). Cytogenetic location: Xp11.21.
Variant type: single nucleotide variant.
Coding change: c.898G>T on transcript NM_174912.4 (MANE Select); coding-DNA position 898, G replaced by T.
Protein change: p.Val300Leu; replaces valine 300 with leucine.
Molecular consequence: missense variant. On other transcripts: non-coding transcript variant (2).
Genome position (GRCh38, 1-based): chrX:57,380,931, G>T. VCF-style: chrX-57380931-G-T. GRCh37 (hg19) VCF-style: chrX-57407364-G-T.
Other names: c.898G>T, p.Val300Leu (NM_001353840.1); c.688G>T, p.Val230Leu (NM_001353841.1); short protein forms V230L, V300L.
Identifiers: ClinVar variation 3349078 (VCV003349078.1).